The following is an entry in ClinVar:

ClinVar aggregate classification (germline): Uncertain significance. Review status: criteria provided, multiple submitters, no conflicts (2 of 4 stars). 5 submissions from 5 submitters: Uncertain significance (5). Last evaluated 2024-05-03.

Conditions:
Myoglobinuria, acute recurrent, autosomal recessive. Also called: MYOGLOBINURIA, FAMILIAL PAROXYSMAL PARALYTIC; RHABDOMYOLYSIS, ACUTE RECURRENT; Myoglobinuria, recurrent, autosomal recessive. Identifiers: Orphanet 99845, MedGen C1849386, MONDO:0009992, OMIM 268200.
Inborn genetic diseases. Identifiers: MedGen C0950123, MeSH D030342.

Allele frequency attached by ClinVar (database versions not stated): gnomAD exomes 0.00003; ExAC 0.00007; gnomAD 0.00014; TOPMed 0.00016; ESP Exome Variant Server 0.00031.
gnomAD v4.1: 73 of 1,614,106 alleles (0.0045%); highest among the groups gnomAD compares: African/African-American, 0.037%; no homozygotes.

Submissions (5):

Fulgent Genetics
Classification: Uncertain significance for Myoglobinuria, acute recurrent, autosomal recessive. Last evaluated: 2024-05-03. Review status: criteria provided, single submitter. Criteria: ACMG Guidelines, 2015. Collection method: clinical testing. Allele origin: germline.

Ambry Genetics
Classification: Uncertain significance for Inborn genetic diseases. Last evaluated: 2023-11-09. Review status: criteria provided, single submitter. Criteria: Ambry Variant Classification Scheme 2023. Collection method: clinical testing. Allele origin: germline.

Mayo Clinic Laboratories, Mayo Clinic
Classification: Uncertain significance. Last evaluated: 2023-07-17. Review status: criteria provided, single submitter. Criteria: ACMG Guidelines, 2015. Collection method: clinical testing. Allele origin: germline. Observed: 1 variant allele.

Labcorp Genetics (formerly Invitae), Labcorp
Classification: Uncertain significance. Last evaluated: 2022-05-08. Review status: criteria provided, single submitter. Criteria: Invitae Variant Classification Sherloc (09022015). Collection method: clinical testing. Allele origin: germline.
Comment: This sequence change replaces serine, which is neutral and polar, with leucine, which is neutral and non-polar, at codon 114 of the LPIN1 protein (p.Ser114Leu). This variant is present in population databases (rs138781941, gnomAD 0.03%). This variant has not been reported in the literature in individuals affected with LPIN1-related conditions. Algorithms developed to predict the effect of missense changes on protein structure and function (SIFT, PolyPhen-2, Align-GVGD) all suggest that this variant is likely to be tolerated. In summary, the available evidence is currently insufficient to determine the role of this variant in disease. Therefore, it has been classified as a Variant of Uncertain Significance.

Blueprint Genetics
Classification: Uncertain significance. Last evaluated: 2021-05-12. Review status: criteria provided, single submitter. Criteria: ACMG Guidelines, 2015. Collection method: clinical testing. Allele origin: germline.

NM_001349206.2(LPIN1):c.341C>T (p.Ser114Leu)

Gene: LPIN1 (lipin 1; plus strand). Cytogenetic location: 2p25.1.
Variant type: single nucleotide variant.
Coding change: c.341C>T on transcript NM_001349206.2 (MANE Select); coding-DNA position 341, C replaced by T.
Protein change: p.Ser114Leu; replaces serine 114 with leucine.
Molecular consequence: missense variant. On other transcripts: non-coding transcript variant (1).
Genome position (GRCh38, 1-based): chr2:11,771,424, C>T. VCF-style: chr2-11771424-C-T. GRCh37 (hg19) VCF-style: chr2-11911550-C-T.
Other names: p.Ser114Leu; c.341C>T (NM_145693.1); c.359C>T, p.Ser120Leu (NM_001261427.3); c.488C>T, p.Ser163Leu (NM_001261428.3, NM_001349208.2); c.341C>T, p.Ser114Leu (NM_001349199.2, NM_001349200.2, NM_001349201.2 and 5 more transcripts); c.431C>T, p.Ser144Leu (NM_001349207.2); short protein forms S114L, S120L, S144L, S163L.
Identifiers: ClinVar variation 2060436 (VCV002060436.5), dbSNP rs138781941, ClinGen allele CA1533411.